The following is an entry in ClinVar:

ClinVar aggregate classification (germline): Benign (0 of 4 stars; one submission).

Conditions:
SCAPER-related disorder. Also called: SCAPER-related condition.

Allele frequency attached by ClinVar (database versions not stated): 1000 Genomes Project 30x 0.00750; 1000 Genomes Project 0.00759; TOPMed 0.01533; gnomAD 0.01565; ExAC 0.01702; ESP Exome Variant Server 0.01939; gnomAD exomes 0.02147.
gnomAD v4.1: 33,805 of 1,613,514 alleles (2.1%); highest among the groups gnomAD compares: Middle Eastern, 5.4%; 434 homozygotes.

Submission:

PreventionGenetics, part of Exact Sciences
Classification: Benign for SCAPER-related condition. Last evaluated: 2020-01-14. Review status: no assertion criteria provided. Collection method: clinical testing. Allele origin: germline.
Comment: This variant is classified as benign based on ACMG/AMP sequence variant interpretation guidelines (Richards et al. 2015 PMID: 25741868, with internal and published modifications).

NM_020843.4(SCAPER):c.1905G>A (p.Gln635=)

Gene: SCAPER (S-phase cyclin A associated protein in the ER; minus strand). Cytogenetic location: 15q24.3.
Variant type: single nucleotide variant.
Coding change: c.1905G>A on transcript NM_020843.4 (MANE Select); coding-DNA position 1905, G replaced by A.
Protein change: p.Gln635=; no amino-acid change (glutamine 635 retained).
Molecular consequence: synonymous variant. On other transcripts: non-coding transcript variant (1).
Genome position (GRCh38, 1-based): chr15:76,733,346, C>T on the plus strand (G>A on the coding strand, the complement: SCAPER is on the minus strand). VCF-style: chr15-76733346-C-T. GRCh37 (hg19) VCF-style: chr15-77025687-C-T.
Other names: c.1167G>A, p.Gln389= (NM_001145923.2); c.1923G>A, p.Gln641= (NM_001353009.2); c.1503G>A, p.Gln501= (NM_001353010.2, NM_001353012.2); c.1521G>A, p.Gln507= (NM_001353011.2).
Identifiers: ClinVar variation 3038027 (VCV003038027.2), dbSNP rs144694379, ClinGen allele CA7674834.